The following is an entry in ClinVar:

NM_000350.3(ABCA4):c.1166C>T (p.Ala389Val)

Gene: ABCA4 (ATP binding cassette subfamily A member 4; minus strand). Cytogenetic location: 1p22.1.
Variant type: single nucleotide variant.
Coding change: c.1166C>T on transcript NM_000350.3 (MANE Select); coding-DNA position 1166, C replaced by T.
Protein change: p.Ala389Val; replaces alanine 389 with valine.
Molecular consequence: missense variant.
Genome position (GRCh38, 1-based): chr1:94,079,395, G>A on the plus strand (C>T on the coding strand, the complement: ABCA4 is on the minus strand). VCF-style: chr1-94079395-G-A. GRCh37 (hg19) VCF-style: chr1-94544951-G-A.
Other names: c.1166C>T, p.Ala389Val (NM_001425324.1); short protein forms A389V.
Identifiers: ClinVar variation 939751 (VCV000939751.7), dbSNP rs201263774, ClinGen allele CA958618.
Genomic context (GRCh38, chr1:94,079,395, plus strand): 5'-CTTCGTGCTGCAGGTGAATCAGGAGTGTACAGGATTTTTCCCATCAGCAAAGGCTTTGCC[G>A]CCCTCCAAGCGATTTTGGTTAAAGGATTTGACTCCAGGCTCTGGATCAATGCATTACAAA-3'
Protein context (NP_000341.2, residues 379-399): SNPLTKIAWR[Ala389Val]AKPLLMGKIL

ClinVar aggregate classification (germline): Uncertain significance (1 of 4 stars; one submission).

Allele frequency attached by ClinVar (database versions not stated): gnomAD exomes 0.00002 and 0.00004; ExAC 0.00003; gnomAD 0.00003; TOPMed 0.00006; 1000 Genomes Project 0.00020; 1000 Genomes Project 30x 0.00031.
gnomAD v4.1: 41 of 1,614,128 alleles (0.0025%); highest among the groups gnomAD compares: African/African-American, 0.0093%; no homozygotes.

Submission:

Labcorp Genetics (formerly Invitae), Labcorp
Classification: Uncertain significance. Last evaluated: 2022-05-09. Review status: criteria provided, single submitter. Criteria: Invitae Variant Classification Sherloc (09022015). Collection method: clinical testing. Allele origin: germline.
Comment: This sequence change replaces alanine, which is neutral and non-polar, with valine, which is neutral and non-polar, at codon 389 of the ABCA4 protein (p.Ala389Val). This variant is present in population databases (rs201263774, gnomAD 0.02%). This variant has not been reported in the literature in individuals affected with ABCA4-related conditions. ClinVar contains an entry for this variant (Variation ID: 939751). Advanced modeling of protein sequence and biophysical properties (such as structural, functional, and spatial information, amino acid conservation, physicochemical variation, residue mobility, and thermodynamic stability) performed at Invitae indicates that this missense variant is not expected to disrupt ABCA4 protein function. In summary, the available evidence is currently insufficient to determine the role of this variant in disease. Therefore, it has been classified as a Variant of Uncertain Significance.